The following is an entry in ClinVar:

NM_022124.6(CDH23):c.946-1G>C

Gene: CDH23 (cadherin related 23; plus strand). Cytogenetic location: 10q22.1.
Variant type: single nucleotide variant.
Coding change: c.946-1G>C on transcript NM_022124.6 (MANE Select); the canonical splice acceptor site of the intron before coding-DNA position 946, G replaced by C.
Molecular consequence: splice acceptor variant.
Genome position (GRCh38, 1-based): chr10:71,617,204, G>C. VCF-style: chr10-71617204-G-C. GRCh37 (hg19) VCF-style: chr10-73376961-G-C.
Other names: c.946-1G>C (NM_001171930.2, NM_001171931.2, NM_052836.4 and 1 more transcripts).
Identifiers: ClinVar variation 4816098 (VCV004816098.1).

ClinVar aggregate classification (germline): Likely pathogenic (1 of 4 stars; one submission).

Conditions:
Usher syndrome type 1 (USH1). Also called: RETINITIS PIGMENTOSA AND CONGENITAL DEAFNESS. Identifiers: Orphanet 231169, Orphanet 886, MedGen C1568247, MONDO:0010168, OMIM 276900.

gnomAD v4.1: 1 of 1,611,604 alleles (0.000062%); highest among the groups gnomAD compares: Admixed American, 0.0017%; no homozygotes.

Submission:

Natera, Inc.
Classification: Likely pathogenic for Usher syndrome type 1. Last evaluated: 2024-04-01. Review status: criteria provided, single submitter. Criteria: Natera Variant Classification Schema (03/2026). Collection method: clinical testing. Allele origin: germline.
Comment: The c.946-1G>C variant in CDH23 is a canonical splice acceptor site variant predicted to affect pre-mRNA splicing, which may result in an abnormal transcript and altered protein product. This variant is expected to result in nonsense mediated decay, truncation, or a dysfunctional protein product. This variant is rare in the general population with a frequency below the threshold expected for the associated phenotype(s). Given the available evidence, this variant is classified as Likely Pathogenic.